The following is an entry in ClinVar:

ClinVar aggregate classification (germline): Uncertain significance (1 of 4 stars; one submission).

Submission:

Labcorp Genetics (formerly Invitae), Labcorp
Classification: Uncertain significance. Last evaluated: 2024-12-04. Review status: criteria provided, single submitter. Criteria: Invitae Variant Classification Sherloc (09022015). Collection method: clinical testing. Allele origin: germline.
Comment: This sequence change replaces alanine, which is neutral and non-polar, with threonine, which is neutral and polar, at codon 295 of the MARS2 protein (p.Ala295Thr). This variant is present in population databases (rs754976378, gnomAD 0.007%). This variant has not been reported in the literature in individuals affected with MARS2-related conditions. Invitae Evidence Modeling of protein sequence and biophysical properties (such as structural, functional, and spatial information, amino acid conservation, physicochemical variation, residue mobility, and thermodynamic stability) indicates that this missense variant is not expected to disrupt MARS2 protein function with a negative predictive value of 80%. In summary, the available evidence is currently insufficient to determine the role of this variant in disease. Therefore, it has been classified as a Variant of Uncertain Significance.

NM_138395.4(MARS2):c.883G>A (p.Ala295Thr)

Gene: MARS2 (methionyl-tRNA synthetase 2, mitochondrial; plus strand). Cytogenetic location: 2q33.1.
Variant type: single nucleotide variant.
Coding change: c.883G>A on transcript NM_138395.4 (MANE Select); coding-DNA position 883, G replaced by A.
Protein change: p.Ala295Thr; replaces alanine 295 with threonine.
Molecular consequence: missense variant.
Genome position (GRCh38, 1-based): chr2:197,706,288, G>A. VCF-style: chr2-197706288-G-A. GRCh37 (hg19) VCF-style: chr2-198571012-G-A.
Other names: short protein forms A295T.
Identifiers: ClinVar variation 3609412 (VCV003609412.2).